The following is an entry in ClinVar:

ClinVar aggregate classification (germline): Uncertain significance (1 of 4 stars; one submission).

Submission:

Labcorp Genetics (formerly Invitae), Labcorp
Classification: Uncertain significance. Last evaluated: 2022-06-18. Review status: criteria provided, single submitter. Criteria: Invitae Variant Classification Sherloc (09022015). Collection method: clinical testing. Allele origin: germline.
Comment: In summary, the available evidence is currently insufficient to determine the role of this variant in disease. Therefore, it has been classified as a Variant of Uncertain Significance. Algorithms developed to predict the effect of missense changes on protein structure and function output the following: SIFT: "Tolerated"; PolyPhen-2: "Benign"; Align-GVGD: "Class C0". The glycine amino acid residue is found in multiple mammalian species, which suggests that this missense change does not adversely affect protein function. This variant has not been reported in the literature in individuals affected with TONSL-related conditions. This variant is not present in population databases (gnomAD no frequency). This sequence change replaces aspartic acid, which is acidic and polar, with glycine, which is neutral and non-polar, at codon 1187 of the TONSL protein (p.Asp1187Gly).

NM_013432.5(TONSL):c.3560A>G (p.Asp1187Gly)

Gene: TONSL (tonsoku like, DNA repair protein; minus strand). Cytogenetic location: 8q24.3.
Variant type: single nucleotide variant.
Coding change: c.3560A>G on transcript NM_013432.5 (MANE Select); coding-DNA position 3560, A replaced by G.
Protein change: p.Asp1187Gly; replaces aspartic acid 1187 with glycine.
Molecular consequence: missense variant.
Genome position (GRCh38, 1-based): chr8:144,432,460, T>C on the plus strand (A>G on the coding strand, the complement: TONSL is on the minus strand). VCF-style: chr8-144432460-T-C. GRCh37 (hg19) VCF-style: chr8-145657843-T-C.
Other names: short protein forms D1187G.
Identifiers: ClinVar variation 2007948 (VCV002007948.4), dbSNP rs2537476911, ClinGen allele CA372642333.
Genomic context (GRCh38, chr8:144,432,460, plus strand): 5'-GCCAGGGCAGGGGCTCCCAGGGCGTTGTAGGACAGGGACAGGGTCTTCAGGTGCTCAGCA[T>C]CTGCACCGGGGCCAGAATCCGTCAGCCCCACGTGGCCACAGCCCTGTACCCACCCCAAGT-3'
Protein context (NP_038460.4, residues 1177-1197): HQTALGSAFQ[Asp1187Gly]AEHLKTLSLS